The following is an entry in ClinVar:

ClinVar aggregate classification (germline): Likely benign. Review status: criteria provided, single submitter (1 of 4 stars). 2 submissions from 2 submitters: Likely benign (1). 1 of the submissions does not count toward it. Last evaluated 2024-12-04.

Conditions:
YARS2-related disorder. Also called: YARS2-related condition.

Allele frequency attached by ClinVar (database versions not stated): TOPMed below 0.00001; ExAC 0.00001; gnomAD 0.00001.
gnomAD v4.1: 31 of 1,614,094 alleles (0.0019%); highest among the groups gnomAD compares: Non-Finnish European, 0.0024%; no homozygotes.

Submissions (2):

Labcorp Genetics (formerly Invitae), Labcorp
Classification: Likely benign. Last evaluated: 2024-12-04. Review status: criteria provided, single submitter. Criteria: Invitae Variant Classification Sherloc (09022015). Collection method: clinical testing. Allele origin: germline.

PreventionGenetics, part of Exact Sciences
Classification: Likely benign for YARS2-related condition. Last evaluated: 2019-04-11. Review status: no assertion criteria provided. Collection method: clinical testing. Allele origin: germline. Not counted in ClinVar's aggregate classification.
Comment: This variant is classified as likely benign based on ACMG/AMP sequence variant interpretation guidelines (Richards et al. 2015 PMID: 25741868, with internal and published modifications).

NM_001040436.3(YARS2):c.945A>G (p.Glu315=)

Gene: YARS2 (tyrosyl-tRNA synthetase 2; minus strand). Cytogenetic location: 12p11.21.
Variant type: single nucleotide variant.
Coding change: c.945A>G on transcript NM_001040436.3 (MANE Select); coding-DNA position 945, A replaced by G.
Protein change: p.Glu315=; no amino-acid change (glutamic acid 315 retained).
Molecular consequence: synonymous variant.
Genome position (GRCh38, 1-based): chr12:32,753,920, T>C on the plus strand (A>G on the coding strand, the complement: YARS2 is on the minus strand). VCF-style: chr12-32753920-T-C. GRCh37 (hg19) VCF-style: chr12-32906854-T-C.
Other names: c.945A>G (NM_001040436.2).
Identifiers: ClinVar variation 2973492 (VCV002973492.5), dbSNP rs752991604, ClinGen allele CA6508061.
Genomic context (GRCh38, chr12:32,753,920, plus strand): 5'-AAAATTACATCATGAGTTTATGGTGTCAGTTTTTCTCAGCCCATTATTCAGAACTCACCT[T>C]TCCACTGAATCGTCCGGTTGCCTGACAAAGAATTGATACAATTCAAATGGAGATGTCTTA-3'
Protein context (NP_001035526.1, residues 305-325): FFVRQPDDSV[Glu315=]RYLKLFTFLP